The following is an entry in ClinVar:

NM_000289.6(PFKM):c.1127+1G>T

Gene: PFKM (phosphofructokinase, muscle; plus strand). Cytogenetic location: 12q13.11.
Variant type: single nucleotide variant.
Coding change: c.1127+1G>T on transcript NM_000289.6 (MANE Select); the canonical splice donor site of the intron after coding-DNA position 1127, G replaced by T.
Molecular consequence: splice donor variant. On other transcripts: non-coding transcript variant (3).
Genome position (GRCh38, 1-based): chr12:48,139,350, G>T. VCF-style: chr12-48139350-G-T. GRCh37 (hg19) VCF-style: chr12-48533133-G-T.
Other names: c.1151+1G>T (NM_001354741.2); c.1127+1G>T (NM_001354742.2, NM_001354743.2, NM_001354744.2 and 2 more transcripts); c.977+1G>T (NM_001354747.2, NM_001354748.2); c.1340+1G>T (NM_001166686.2, NM_001354737.1, NM_001354739.1 and 1 more transcripts); c.1436+1G>T (NM_001354736.1, NM_001354735.1); c.1271+1G>T (NM_001354740.1); c.1040+1G>T (NM_001354745.2); c.1001+1G>T (NM_001354746.2); and 1 more.
Identifiers: ClinVar variation 1068169 (VCV001068169.7), dbSNP rs2135976459, ClinGen allele CA384548523.

ClinVar aggregate classification (germline): Likely pathogenic (1 of 4 stars; one submission).

Conditions:
Glycogen storage disease, type VII (GSD7). Also called: GSD VII; MUSCLE PHOSPHOFRUCTOKINASE DEFICIENCY; PFKM DEFICIENCY; TARUI DISEASE. Identifiers: Orphanet 371, MedGen C0017926, MONDO:0009295, OMIM 232800.

Submission:

Labcorp Genetics (formerly Invitae), Labcorp
Classification: Likely pathogenic for Glycogen storage disease, type VII. Last evaluated: 2020-10-14. Review status: criteria provided, single submitter. Criteria: Invitae Variant Classification Sherloc (09022015). Collection method: clinical testing. Allele origin: germline.
Comment: In summary, the currently available evidence indicates that the variant is pathogenic, but additional data are needed to prove that conclusively. Therefore, this variant has been classified as Likely Pathogenic. Donor and acceptor splice site variants typically lead to a loss of protein function (PMID: 16199547), and loss-of-function variants in PFKM are known to be pathogenic (PMID: 7825568, 8037209). Algorithms developed to predict the effect of sequence changes on RNA splicing suggest that this variant may disrupt the consensus splice site, but this prediction has not been confirmed by published transcriptional studies. This variant has not been reported in the literature in individuals with PFKM-related conditions. This variant is not present in population databases (ExAC no frequency). This sequence change affects a donor splice site in intron 12 of the PFKM gene. It is expected to disrupt RNA splicing and likely results in an absent or disrupted protein product.

Literature cited by the submitters: PubMed 16199547; PubMed 7825568; PubMed 8037209.